The following is an entry in ClinVar:

ClinVar aggregate classification (germline): Uncertain significance (1 of 4 stars; one submission).

Conditions:
Microcephaly 22, primary, autosomal recessive. Identifiers: MedGen C4693834, MONDO:0054805, OMIM 617984.

Submission:

Baylor Genetics
Classification: Uncertain significance for Microcephaly 22, primary, autosomal recessive. Last evaluated: 2019-06-19. Review status: criteria provided, single submitter. Criteria: ACMG Guidelines, 2015. Collection method: clinical testing. Allele origin: unknown. Affected: yes.
Comment: This variant was determined to be of uncertain significance according to ACMG Guidelines, 2015 [PMID:25741868].

NM_015261.3(NCAPD3):c.2707G>A (p.Ala903Thr)

Gene: NCAPD3 (non-SMC condensin II complex subunit D3; minus strand). Cytogenetic location: 11q25.
Variant type: single nucleotide variant.
Coding change: c.2707G>A on transcript NM_015261.3 (MANE Select); coding-DNA position 2707, G replaced by A.
Protein change: p.Ala903Thr; replaces alanine 903 with threonine.
Molecular consequence: missense variant.
Genome position (GRCh38, 1-based): chr11:134,178,709, C>T on the plus strand (G>A on the coding strand, the complement: NCAPD3 is on the minus strand). VCF-style: chr11-134178709-C-T. GRCh37 (hg19) VCF-style: chr11-134048604-C-T.
Other names: c.2707G>A, p.Ala903Thr (NM_001372065.1, NM_001372068.1); c.2293G>A, p.Ala765Thr (NM_001372069.1, NM_001372070.1); short protein forms A765T, A903T.
Identifiers: ClinVar variation 1029376 (VCV001029376.1), dbSNP rs1207215795, ClinGen allele CA383510032.
Genomic context (GRCh38, chr11:134,178,709, plus strand): 5'-CATGTGCTCTAATCACAGAGGGCATGACAGAACCTCTGACCTGGGGGGGTGGCTGAGACG[C>T]TGGGGCCTCACTGCTGCCTTGAGATGATGGTGCTGCAAAGAAGGGAGAGAAAGTTACCGA-3'
Protein context (NP_056076.1, residues 893-913): PSSQGSSEAP[Ala903Thr]SQPPPQVRGS